The following is an entry in ClinVar:

NM_004655.4(AXIN2):c.1555A>G (p.Ile519Val)

Gene: AXIN2 (axin 2; minus strand). Cytogenetic location: 17q24.1.
Variant type: single nucleotide variant.
Coding change: c.1555A>G on transcript NM_004655.4 (MANE Select); coding-DNA position 1555, A replaced by G.
Protein change: p.Ile519Val; replaces isoleucine 519 with valine.
Molecular consequence: missense variant.
Genome position (GRCh38, 1-based): chr17:65,537,481, T>C on the plus strand (A>G on the coding strand, the complement: AXIN2 is on the minus strand). VCF-style: chr17-65537481-T-C. GRCh37 (hg19) VCF-style: chr17-63533599-T-C.
Other names: c.1555A>G, p.Ile519Val (NM_001363813.1); c.1555A>G (LRG_296t1); short protein forms I519V.
Identifiers: ClinVar variation 533201 (VCV000533201.16), dbSNP rs146769008, ClinGen allele CA293098237.

ClinVar aggregate classification (germline): Uncertain significance. Review status: criteria provided, multiple submitters, no conflicts (2 of 4 stars). 5 submissions from 5 submitters: Uncertain significance (5). Last evaluated 2026-01-13.

Conditions:
Colorectal cancer. Also called: Colorectal cancer, somatic; Malignant Colorectal Neoplasm. Identifiers: MedGen C0346629, MONDO:0005575, OMIM 114500.
Oligodontia-cancer predisposition syndrome. Also called: TOOTH AGENESIS-COLORECTAL CANCER SYNDROME. Identifiers: Orphanet 300576, MedGen C1837750, MONDO:0012075, OMIM 608615. Disease mechanism: loss of function.
Hereditary cancer-predisposing syndrome. Also called: Hereditary neoplastic syndrome; Neoplastic Syndromes, Hereditary; Tumor predisposition; Hereditary Cancer Syndrome. Identifiers: Orphanet 140162, MedGen C0027672, MeSH D009386, MONDO:0015356.

Allele frequency attached by ClinVar (database versions not stated): gnomAD exomes below 0.00001; gnomAD 0.00001; TOPMed 0.00001.
gnomAD v4.1: 111 of 1,613,364 alleles (0.0069%); highest among the groups gnomAD compares: Non-Finnish European, 0.0093%; 1 homozygote.

Submissions (5):

Labcorp Genetics (formerly Invitae), Labcorp
Classification: Uncertain significance for Oligodontia-cancer predisposition syndrome. Last evaluated: 2026-01-13. Review status: criteria provided, single submitter. Criteria: Invitae Variant Classification Sherloc (09022015). Collection method: clinical testing. Allele origin: germline.
Comment: This sequence change replaces isoleucine, which is neutral and non-polar, with valine, which is neutral and non-polar, at codon 519 of the AXIN2 protein (p.Ile519Val). This variant is present in population databases (no rsID available, gnomAD 0.0009%). This variant has not been reported in the literature in individuals affected with AXIN2-related conditions. ClinVar contains an entry for this variant (Variation ID: 533201). An algorithm developed to predict the effect of missense changes on protein structure and function outputs the following: PolyPhen-2: "Benign". The valine amino acid residue is found in multiple mammalian species, which suggests that this missense change does not adversely affect protein function. In summary, the available evidence is currently insufficient to determine the role of this variant in disease. Therefore, it has been classified as a Variant of Uncertain Significance.

Ambry Genetics
Classification: Uncertain significance for Hereditary cancer-predisposing syndrome. Last evaluated: 2024-08-23. Review status: criteria provided, single submitter. Criteria: Ambry Variant Classification Scheme 2023. Collection method: clinical testing. Allele origin: germline.
Comment: The p.I519V variant (also known as c.1555A>G), located in coding exon 5 of the AXIN2 gene, results from an A to G substitution at nucleotide position 1555. The isoleucine at codon 519 is replaced by valine, an amino acid with highly similar properties. This amino acid position is well conserved in available vertebrate species; however, valine is the reference amino acid in other vertebrate species. In addition, this alteration is predicted to be tolerated by in silico analysis. Since supporting evidence is limited at this time, the clinical significance of this alteration remains unclear.

Fulgent Genetics
Classification: Uncertain significance for Colorectal cancer; Oligodontia-cancer predisposition syndrome. Last evaluated: 2024-03-05. Review status: criteria provided, single submitter. Criteria: ACMG Guidelines, 2015. Collection method: clinical testing. Allele origin: germline.

Baylor Genetics
Classification: Uncertain significance for Colorectal cancer. Last evaluated: 2023-10-16. Review status: criteria provided, single submitter. Criteria: ACMG Guidelines, 2015. Collection method: clinical testing. Allele origin: unknown.

GeneDx
Classification: Uncertain significance. Last evaluated: 2021-11-23. Review status: criteria provided, single submitter. Criteria: GeneDx Variant Classification Process June 2021. Collection method: clinical testing. Allele origin: germline. Affected: yes.
Comment: Not observed at significant frequency in large population cohorts (Lek et al., 2016); In silico analysis supports that this missense variant does not alter protein structure/function; Has not been previously published as pathogenic or benign to our knowledge